The following is an entry in ClinVar:

NM_005120.3(MED12):c.1012A>G (p.Thr338Ala)

Gene: MED12 (mediator complex subunit 12; plus strand). Cytogenetic location: Xq13.1.
Variant type: single nucleotide variant.
Coding change: c.1012A>G on transcript NM_005120.3 (MANE Select); coding-DNA position 1012, A replaced by G.
Protein change: p.Thr338Ala; replaces threonine 338 with alanine.
Molecular consequence: missense variant.
Genome position (GRCh38, 1-based): chrX:71,121,727, A>G. VCF-style: chrX-71121727-A-G. GRCh37 (hg19) VCF-style: chrX-70341577-A-G.
Other names: short protein forms T338A.
Identifiers: ClinVar variation 1970410 (VCV001970410.6), dbSNP rs2519668546, ClinGen allele CA413504976.

ClinVar aggregate classification (germline): Uncertain significance (1 of 4 stars; one submission).

Conditions:
FG syndrome (FGS). Identifiers: MedGen C0220769, MONDO:0002010.

Allele frequency attached by ClinVar (database versions not stated): gnomAD exomes below 0.00001.
gnomAD v4.1: 1 of 1,210,923 alleles (0.000083%); highest among the groups gnomAD compares: Admixed American, 0.0022%; no homozygotes.

Submissions (2):

Labcorp Genetics (formerly Invitae), Labcorp
Classification: Uncertain significance for FG syndrome. Last evaluated: 2024-09-03. Review status: criteria provided, single submitter. Criteria: Invitae Variant Classification Sherloc (09022015). Collection method: clinical testing. Allele origin: germline.
Comment: This sequence change replaces threonine, which is neutral and polar, with alanine, which is neutral and non-polar, at codon 338 of the MED12 protein (p.Thr338Ala). This variant is not present in population databases (gnomAD no frequency). This variant has not been reported in the literature in individuals affected with MED12-related conditions. ClinVar contains an entry for this variant (Variation ID: 1970410). Invitae Evidence Modeling of protein sequence and biophysical properties (such as structural, functional, and spatial information, amino acid conservation, physicochemical variation, residue mobility, and thermodynamic stability) indicates that this missense variant is not expected to disrupt MED12 protein function with a negative predictive value of 95%. In summary, the available evidence is currently insufficient to determine the role of this variant in disease. Therefore, it has been classified as a Variant of Uncertain Significance.

Dr. Peter K. Rogan Lab, Western University
No classification provided (evidence only). Condition: Thyroid cancer, nonmedullary, 1. Review status: no classification provided. Collection method: in vitro. Allele origin: not applicable. Functional consequence: retained intron. Not counted in ClinVar's aggregate classification.